The following is an entry in ClinVar:

ClinVar aggregate classification (germline): Pathogenic/Likely pathogenic. Review status: criteria provided, multiple submitters, no conflicts (2 of 4 stars). 3 submissions from 3 submitters: Pathogenic (1); Likely pathogenic (2). Last evaluated 2025-12-30.

Conditions:
C9-related disorders.
Complement component 9 deficiency (C9D). Also called: C9 deficiency. Identifiers: MedGen C3151189, MONDO:0013445, OMIM 613825.

Allele frequency attached by ClinVar (database versions not stated): gnomAD exomes 0.00006; ExAC 0.00011; 1000 Genomes Project 0.00020; gnomAD 0.00021 and 0.00023; TOPMed 0.00021; ESP Exome Variant Server 0.00023; 1000 Genomes Project 30x 0.00031.
gnomAD v4.1: 73 of 1,613,758 alleles (0.0045%); highest among the groups gnomAD compares: African/African-American, 0.069%; no homozygotes.

Submissions (3):

Labcorp Genetics (formerly Invitae), Labcorp
Classification: Pathogenic. Last evaluated: 2025-12-30. Review status: criteria provided, single submitter. Criteria: Invitae Variant Classification Sherloc (09022015). Collection method: clinical testing. Allele origin: germline.
Comment: This sequence change creates a premature translational stop signal (p.Arg194*) in the C9 gene. It is expected to result in an absent or disrupted protein product. Loss-of-function variants in C9 are known to be pathogenic (PMID: 9144525, 9570574). This variant is present in population databases (rs146217095, gnomAD 0.08%). This variant has not been reported in the literature in individuals affected with C9-related conditions. ClinVar contains an entry for this variant (Variation ID: 1324000). For these reasons, this variant has been classified as Pathogenic.

Blueprint Genetics
Classification: Likely pathogenic for C9-related disorders. Last evaluated: 2022-01-05. Review status: criteria provided, single submitter. Criteria: ACMG Guidelines, 2015. Collection method: clinical testing. Allele origin: germline. Affected: yes. Observed: 1 variant allele.

Revvity Omics, Revvity
Classification: Likely pathogenic for Complement component 9 deficiency. Last evaluated: 2019-12-13. Review status: criteria provided, single submitter. Criteria: ACMG Guidelines, 2015. Collection method: clinical testing. Allele origin: germline.

Literature cited by the submitters: PubMed 9144525 (cited by Labcorp Genetics (formerly Invitae), Labcorp); PubMed 9570574 (cited by Labcorp Genetics (formerly Invitae), Labcorp).

NM_001737.5(C9):c.580C>T (p.Arg194Ter)

Gene: C9 (complement C9; minus strand). Cytogenetic location: 5p13.1.
Variant type: single nucleotide variant.
Coding change: c.580C>T on transcript NM_001737.5 (MANE Select); coding-DNA position 580, C replaced by T.
Protein change: p.Arg194Ter; replaces arginine 194 with a stop codon.
Molecular consequence: nonsense.
Genome position (GRCh38, 1-based): chr5:39,331,711, G>A on the plus strand (C>T on the coding strand, the complement: C9 is on the minus strand). VCF-style: chr5-39331711-G-A. GRCh37 (hg19) VCF-style: chr5-39331813-G-A.
Other names: short protein forms R194*.
Identifiers: ClinVar variation 1324000 (VCV001324000.9), dbSNP rs146217095, ClinGen allele CA3246960.
Genomic context (GRCh38, chr5:39,331,711, plus strand): 5'-TGTGTTTTCCTCCGAGGAGACTTACTTCATAGATCAAAGAAGCCACGTTCCAAGGTCTTC[G>A]GTAGTATGTCAGAGTGTTTCCATCCCGATCCCGGTTACAGAGTCCATTGTAGAACTCATT-3'